The following is an entry in ClinVar:

ClinVar aggregate classification (germline): Pathogenic (0 of 4 stars; one submission).

Conditions:
Deficiency of UDPglucose-hexose-1-phosphate uridylyltransferase. Also called: GALT deficiency; Galactosemia, classic; GALACTOSEMIA I; GALACTOSE-1-PHOSPHATE URIDYLYLTRANSFERASE DEFICIENCY; Transferase Deficiency Galactosemia. Identifiers: Orphanet 352, Orphanet 79239, MedGen C0268151, MONDO:0009258, OMIM 230400.

Submission:

Istanbul Faculty of Medicine, Istanbul University
Classification: Pathogenic for Deficiency of UDPglucose-hexose-1-phosphate uridylyltransferase. Last evaluated: 2014-04-08. Review status: no assertion criteria provided. Collection method: clinical testing. Allele origin: germline. Affected: yes. Observed: 1 variant allele.
Comment: Compound heterozygous with c.1018G>T

Literature cited by the submitters: PubMed 37563963.

NM_000155.4(GALT):c.467C>A (p.Ser156Ter)

Gene: GALT (galactose-1-phosphate uridylyltransferase; plus strand). Cytogenetic location: 9p13.3.
Variant type: single nucleotide variant.
Coding change: c.467C>A on transcript NM_000155.4 (MANE Select); coding-DNA position 467, C replaced by A.
Protein change: p.Ser156Ter; replaces serine 156 with a stop codon.
Molecular consequence: nonsense.
Genome position (GRCh38, 1-based): chr9:34,647,921, C>A. VCF-style: chr9-34647921-C-A. GRCh37 (hg19) VCF-style: chr9-34647918-C-A.
Other names: c.140C>A, p.Ser47Ter (NM_001258332.2); short protein forms S156*, S47*.
Identifiers: ClinVar variation 1332994 (VCV001332994.3), dbSNP rs766896883, ClinGen allele CA373280956.